The following is an entry in ClinVar:

ClinVar aggregate classification (germline): Uncertain significance (1 of 4 stars; one submission).

Allele frequency attached by ClinVar (database versions not stated): TOPMed 0.00002.
gnomAD v4.1: 2 of 1,613,972 alleles (0.00012%); highest among the groups gnomAD compares: African/African-American, 0.0013%; no homozygotes.

Submission:

GeneDx
Classification: Uncertain significance. Last evaluated: 2014-11-21. Review status: criteria provided, single submitter. Criteria: GeneDx Variant Classification (06012015). Collection method: clinical testing. Allele origin: germline. Affected: yes.
Comment: p.Ser1204Arg (AGC>AGA): c.3612 C>A in exon 14 of the GRIN2A gene (NM_000833.3). The S1204R variant has not been published as a mutation, nor has it been reported as a benign polymorphism to our knowledge. It was not observed in approximately 6,500 individuals of European and African American ancestry in the NHLBI Exome Sequencing Project, indicating it is not a common benign variant in these populations. The S1204R variant is a semi-conservative amino acid substitution, which may impact secondary protein structure as these residues differ in some properties. This substitution occurs at a position that is conserved in mammals. However, in silico analysis is inconsistent in its predictions as to whether or not the S1204R variant is damaging to the protein structure/function, and other missense mutations in nearby residues have not been reported. Therefore, based on the currently available information, it is unclear whether this variant is a pathogenic mutation or a rare benign variant.The variant is found in EPILEPSY panel(s).

NM_001134407.3(GRIN2A):c.3612C>A (p.Ser1204Arg)

Gene: GRIN2A (glutamate ionotropic receptor NMDA type subunit 2A; minus strand). Cytogenetic location: 16p13.2.
Variant type: single nucleotide variant.
Coding change: c.3612C>A on transcript NM_001134407.3 (MANE Select); coding-DNA position 3612, C replaced by A.
Protein change: p.Ser1204Arg; replaces serine 1204 with arginine.
Molecular consequence: missense variant.
Genome position (GRCh38, 1-based): chr16:9,763,932, G>T on the plus strand (C>A on the coding strand, the complement: GRIN2A is on the minus strand). VCF-style: chr16-9763932-G-T. GRCh37 (hg19) VCF-style: chr16-9857789-G-T.
Other names: p.S1204R:AGC>AGA; c.3612C>A, p.Ser1204Arg (NM_000833.5, NM_001134408.2); short protein forms S1204R.
Identifiers: ClinVar variation 205676 (VCV000205676.2), dbSNP rs796052558, ClinGen allele CA314984.